The following is an entry in ClinVar:

NM_139318.5(KCNH5):c.395C>T (p.Thr132Met)

Gene: KCNH5 (potassium voltage-gated channel subfamily H member 5; minus strand). Cytogenetic location: 14q23.2.
Variant type: single nucleotide variant.
Coding change: c.395C>T on transcript NM_139318.5 (MANE Select); coding-DNA position 395, C replaced by T.
Protein change: p.Thr132Met; replaces threonine 132 with methionine.
Molecular consequence: missense variant.
Genome position (GRCh38, 1-based): chr14:63,001,369, G>A on the plus strand (C>T on the coding strand, the complement: KCNH5 is on the minus strand). VCF-style: chr14-63001369-G-A. GRCh37 (hg19) VCF-style: chr14-63468087-G-A.
Other names: c.395C>T, p.Thr132Met (NM_172375.3); short protein forms T132M.
Identifiers: ClinVar variation 1487222 (VCV001487222.9), dbSNP rs765878799, ClinGen allele CA7217685.
Genomic context (GRCh38, chr14:63,001,369, plus strand): 5'-TAGTAATTCTTTTGAAAATTACCTTTTGTTGAATCATCCTCTATTGGCTGTTTGAACAAC[G>A]TAATATCCTTGAAAGTACACAGGAACAAGACCACCTTTTCATGTTCATTTCTTATTGGTG-3'
Protein context (NP_647479.2, residues 122-142): VLFLCTFKDI[Thr132Met]LFKQPIEDDS

ClinVar aggregate classification (germline): Uncertain significance (1 of 4 stars; one submission).

Conditions:
Early-infantile DEE. Also called: Ohtahara syndrome; Early infantile epileptic encephalopathy; Early infantile epileptic encephalopathy with suppression bursts. Identifiers: Orphanet 1934, MedGen C0393706, MONDO:0800491.

Allele frequency attached by ClinVar (database versions not stated): gnomAD exomes below 0.00001 and 0.00001; TOPMed below 0.00001; ExAC 0.00001; gnomAD 0.00001.

Submission:

Labcorp Genetics (formerly Invitae), Labcorp
Classification: Uncertain significance for Early-infantile DEE. Last evaluated: 2025-03-10. Review status: criteria provided, single submitter. Criteria: Invitae Variant Classification Sherloc (09022015). Collection method: clinical testing. Allele origin: germline.
Comment: This sequence change replaces threonine, which is neutral and polar, with methionine, which is neutral and non-polar, at codon 132 of the KCNH5 protein (p.Thr132Met). The frequency data for this variant in the population databases is considered unreliable, as metrics indicate poor data quality at this position in the gnomAD database. This variant has not been reported in the literature in individuals affected with KCNH5-related conditions. ClinVar contains an entry for this variant (Variation ID: 1487222). An algorithm developed to predict the effect of missense changes on protein structure and function (PolyPhen-2) suggests that this variant is likely to be disruptive. In summary, the available evidence is currently insufficient to determine the role of this variant in disease. Therefore, it has been classified as a Variant of Uncertain Significance.